The following is an entry in ClinVar:

ClinVar aggregate classification (germline): Pathogenic (1 of 4 stars; one submission).

Conditions:
Congenital insensitivity to pain-hypohidrosis syndrome. Also called: Neuropathy, hereditary sensory and autonomic, type VIII; HSAN VIII. Identifiers: Orphanet 478664, MedGen C4225308, MONDO:0014662, OMIM 616488.

Submission:

Labcorp Genetics (formerly Invitae), Labcorp
Classification: Pathogenic for Congenital insensitivity to pain-hypohidrosis syndrome. Last evaluated: 2023-01-01. Review status: criteria provided, single submitter. Criteria: Invitae Variant Classification Sherloc (09022015). Collection method: clinical testing. Allele origin: germline.
Comment: For these reasons, this variant has been classified as Pathogenic. Algorithms developed to predict the effect of sequence changes on RNA splicing suggest that this variant may disrupt the consensus splice site. ClinVar contains an entry for this variant (Variation ID: 1072417). Disruption of this splice site has been observed in individuals with clinical features of hereditary sensory and autonomic neuropathy (PMID: 28050684; Invitae). This variant is not present in population databases (gnomAD no frequency). This sequence change affects an acceptor splice site in intron 1 of the PRDM12 gene. It is expected to disrupt RNA splicing. Variants that disrupt the donor or acceptor splice site typically lead to a loss of protein function (PMID: 16199547), and loss-of-function variants in PRDM12 are known to be pathogenic (PMID: 25891934, 26005867).

Literature cited by the submitters: PubMed 28050684; PubMed 16199547; PubMed 25891934; PubMed 26005867.

NM_021619.3(PRDM12):c.224-1G>A

Genes: PRDM12 (PR/SET domain 12; plus strand), LOC126860775 (CDK7 strongly-dependent group 2 enhancer GRCh37_chr9:133541982-133543181; plus strand). Cytogenetic location: 9q34.12.
Variant type: single nucleotide variant.
Coding change: c.224-1G>A on transcript NM_021619.3 (MANE Select); the canonical splice acceptor site of the intron before coding-DNA position 224, G replaced by A.
Molecular consequence: splice acceptor variant.
Genome position (GRCh38, 1-based): chr9:130,666,607, G>A. VCF-style: chr9-130666607-G-A. GRCh37 (hg19) VCF-style: chr9-133541994-G-A.
Identifiers: ClinVar variation 1072417 (VCV001072417.7), dbSNP rs2132588902, ClinGen allele CA375246110.